The following is an entry in ClinVar:

NC_000009.11:g.(?_133920891)_(133921067_?)del

Gene: LAMC3 (laminin subunit gamma 3; plus strand). Cytogenetic location: 9q34.12.
Variant type: Deletion.
Identifiers: ClinVar variation 3245338 (VCV003245338.1).

ClinVar aggregate classification (germline): Pathogenic (1 of 4 stars; one submission).

Submission:

Labcorp Genetics (formerly Invitae), Labcorp
Classification: Pathogenic. Last evaluated: 2023-05-01. Review status: criteria provided, single submitter. Criteria: Invitae Variant Classification Sherloc (09022015). Collection method: clinical testing. Allele origin: unknown.
Comment: For these reasons, this variant has been classified as Pathogenic. This variant has not been reported in the literature in individuals affected with LAMC3-related conditions. This variant is a gross deletion of the genomic region encompassing exon(s) 8 of the LAMC3 gene. This deletion is out-of-frame, and is expected to create a premature termination codon and result in an absent or disrupted protein product. Loss-of-function variants in LAMC3 are known to be pathogenic (PMID: 21572413, 26802095).

Literature cited by the submitters: PubMed 21572413; PubMed 26802095.